The following is an entry in ClinVar:

ClinVar aggregate classification (germline): Uncertain significance. Review status: criteria provided, single submitter (1 of 4 stars). 2 submissions from 2 submitters: Uncertain significance (1). 1 of the submissions does not count toward it. Last evaluated 2019-10-01.

Conditions:
Developmental and epileptic encephalopathy, 75. Also called: EPILEPTIC ENCEPHALOPATHY, EARLY INFANTILE, 75. Identifiers: MedGen C5193099, MONDO:0032752, OMIM 618437.

gnomAD v4.1: 7 of 1,614,170 alleles (0.00043%); highest among the groups gnomAD compares: Non-Finnish European, 0.00059%; no homozygotes.

Submissions (2):

SIB Swiss Institute of Bioinformatics
Classification: Uncertain significance for Developmental and epileptic encephalopathy, 75. Last evaluated: 2019-10-01. Review status: criteria provided, single submitter. Criteria: ACMG Guidelines, 2015. Collection method: curation. Allele origin: unknown.
Comment: This variant is interpreted as a variant of uncertain significance for Epileptic encephalopathy, early infantile, 75, autosomal recessive. The following ACMG Tag(s) were applied: PM2, PP1, PP3.

OMIM
Classification: Pathogenic for DEVELOPMENTAL AND EPILEPTIC ENCEPHALOPATHY 75. Last evaluated: 2020-11-25. Review status: no assertion criteria provided. Collection method: literature only. Allele origin: germline. Not counted in ClinVar's aggregate classification.

Literature cited by the submitters: PubMed 29915213 (cited by SIB Swiss Institute of Bioinformatics and OMIM).

NM_152268.4(PARS2):c.604C>G (p.Arg202Gly)

Gene: PARS2 (prolyl-tRNA synthetase 2, mitochondrial; minus strand). Cytogenetic location: 1p32.3.
Variant type: single nucleotide variant.
Coding change: c.604C>G on transcript NM_152268.4 (MANE Select); coding-DNA position 604, C replaced by G.
Protein change: p.Arg202Gly; replaces arginine 202 with glycine.
Molecular consequence: missense variant.
Genome position (GRCh38, 1-based): chr1:54,758,558, G>C on the plus strand (C>G on the coding strand, the complement: PARS2 is on the minus strand). VCF-style: chr1-54758558-G-C. GRCh37 (hg19) VCF-style: chr1-55224231-G-C.
Other names: PARS2, ARG202GLY (rs141760650); short protein forms R202G.
Identifiers: ClinVar variation 632570 (VCV000632570.4), dbSNP rs141760650, ClinGen allele CA869442.